The following is an entry in ClinVar:

ClinVar aggregate classification (germline): Likely benign (1 of 4 stars; one submission).

Allele frequency attached by ClinVar (database versions not stated): gnomAD 0.00911 and 0.00975; 1000 Genomes Project 0.01018; TOPMed 0.01032; 1000 Genomes Project 30x 0.01124.

Submission:

GeneDx
Classification: Likely benign. Last evaluated: 2022-02-08. Review status: criteria provided, single submitter. Criteria: GeneDx Variant Classification Process June 2021. Collection method: clinical testing. Allele origin: germline. Affected: yes.
Comment: See Variant Classification Assertion Criteria.

NC_000015.10:g.40405451T>C

Gene: IVD (isovaleryl-CoA dehydrogenase; plus strand). Cytogenetic location: 15q15.1.
Variant type: single nucleotide variant.
Genome position: GRCh38 VCF-style: chr15-40405451-T-C. GRCh37 (hg19) VCF-style: chr15-40697652-T-C.
Identifiers: ClinVar variation 1700385 (VCV001700385.3), dbSNP rs77818281, ClinGen allele CA268822990.